The following is an entry in ClinVar:

ClinVar aggregate classification (germline): Likely benign (1 of 4 stars; one submission).

Allele frequency attached by ClinVar (database versions not stated): 1000 Genomes Project 0.00399; 1000 Genomes Project 30x 0.00422; TOPMed 0.00829; gnomAD 0.00875 and 0.00904.
gnomAD v4.1: 1,327 of 152,284 alleles (0.87%); highest among the groups gnomAD compares: Non-Finnish European, 1.1%; 6 homozygotes.

Submission:

GeneDx
Classification: Likely benign. Last evaluated: 2018-06-14. Review status: criteria provided, single submitter. Criteria: GeneDx Variant Classification (06012015). Collection method: clinical testing. Allele origin: germline. Affected: yes.
Comment: This variant is considered likely benign or benign based on one or more of the following criteria: it is a conservative change, it occurs at a poorly conserved position in the protein, it is predicted to be benign by multiple in silico algorithms, and/or has population frequency not consistent with disease.

NM_002834.5(PTPN11):c.1599+229G>A

Gene: PTPN11 (protein tyrosine phosphatase non-receptor type 11; plus strand). Cytogenetic location: 12q24.13.
Variant type: single nucleotide variant.
Coding change: c.1599+229G>A on transcript NM_002834.5 (MANE Select); 229 bases into the intron after coding-DNA position 1599, G replaced by A.
Molecular consequence: intron variant.
Genome position (GRCh38, 1-based): chr12:112,489,404, G>A. VCF-style: chr12-112489404-G-A. GRCh37 (hg19) VCF-style: chr12-112927208-G-A.
Other names: c.1611+229G>A (NM_001330437.2); c.1596+229G>A (NM_001374625.1).
Identifiers: ClinVar variation 561656 (VCV000561656.1), dbSNP rs7974468, ClinGen allele CA243714854.